The following is an entry in ClinVar:

NM_173630.4(RTTN):c.4564+5G>T

Gene: RTTN (rotatin; minus strand). Cytogenetic location: 18q22.2.
Variant type: single nucleotide variant.
Coding change: c.4564+5G>T on transcript NM_173630.4 (MANE Select); 5 bases into the intron after coding-DNA position 4564, G replaced by T.
Molecular consequence: intron variant.
Genome position (GRCh38, 1-based): chr18:70,075,347, C>A on the plus strand (G>T on the coding strand, the complement: RTTN is on the minus strand). VCF-style: chr18-70075347-C-A. GRCh37 (hg19) VCF-style: chr18-67742583-C-A.
Other names: c.1828+5G>T (NM_001318520.2).
Identifiers: ClinVar variation 1315456 (VCV001315456.2), dbSNP rs1020739065, ClinGen allele CA301920501.

ClinVar aggregate classification (germline): Uncertain significance (1 of 4 stars; one submission).

Allele frequency attached by ClinVar (database versions not stated): gnomAD exomes below 0.00001; TOPMed 0.00002.
gnomAD v4.1: 1 of 1,542,796 alleles (0.000065%); highest among the groups gnomAD compares: African/African-American, 0.0014%; no homozygotes.

Submission:

GeneDx
Classification: Uncertain significance. Last evaluated: 2020-02-14. Review status: criteria provided, single submitter. Criteria: GeneDx Variant Classification Process June 2021. Collection method: clinical testing. Allele origin: germline. Affected: yes.
Comment: Not observed in large population cohorts (Lek et al., 2016); In silico analysis supports a deleterious effect on splicing; Has not been previously published as pathogenic or benign to our knowledge